The following is an entry in ClinVar:

ClinVar aggregate classification (germline): Uncertain significance. Review status: criteria provided, multiple submitters, no conflicts (2 of 4 stars). 2 submissions from 2 submitters: Uncertain significance (2). Last evaluated 2025-12-15.

Conditions:
Inborn genetic diseases. Identifiers: MedGen C0950123, MeSH D030342.

Allele frequency attached by ClinVar (database versions not stated): gnomAD exomes below 0.00001; gnomAD 0.00004 and 0.00006; TOPMed 0.00011.
gnomAD v4.1: 16 of 1,590,408 alleles (0.001%); highest among the groups gnomAD compares: Admixed American, 0.007%; no homozygotes.

Submissions (2):

Ambry Genetics
Classification: Uncertain significance for Inborn genetic diseases. Last evaluated: 2025-12-15. Review status: criteria provided, single submitter. Criteria: Ambry Variant Classification Scheme 2023. Collection method: clinical testing. Allele origin: germline.

Labcorp Genetics (formerly Invitae), Labcorp
Classification: Uncertain significance. Last evaluated: 2023-12-06. Review status: criteria provided, single submitter. Criteria: Invitae Variant Classification Sherloc (09022015). Collection method: clinical testing. Allele origin: germline.
Comment: This sequence change replaces leucine, which is neutral and non-polar, with proline, which is neutral and non-polar, at codon 4 of the PPA2 protein (p.Leu4Pro). The frequency data for this variant in the population databases is considered unreliable, as metrics indicate poor data quality at this position in the gnomAD database. This variant has not been reported in the literature in individuals affected with PPA2-related conditions. ClinVar contains an entry for this variant (Variation ID: 1450800). An algorithm developed to predict the effect of missense changes on protein structure and function (PolyPhen-2) suggests that this variant is likely to be disruptive. In summary, the available evidence is currently insufficient to determine the role of this variant in disease. Therefore, it has been classified as a Variant of Uncertain Significance.

NM_176869.3(PPA2):c.11T>C (p.Leu4Pro)

Gene: PPA2 (inorganic pyrophosphatase 2; minus strand). Cytogenetic location: 4q24.
Variant type: single nucleotide variant.
Coding change: c.11T>C on transcript NM_176869.3 (MANE Select); coding-DNA position 11, T replaced by C.
Protein change: p.Leu4Pro; replaces leucine 4 with proline.
Molecular consequence: missense variant.
Genome position (GRCh38, 1-based): chr4:105,474,040, A>G on the plus strand (T>C on the coding strand, the complement: PPA2 is on the minus strand). VCF-style: chr4-105474040-A-G. GRCh37 (hg19) VCF-style: chr4-106395197-A-G.
Other names: c.11T>C, p.Leu4Pro (NM_006903.4, NM_176866.2, NM_176867.3); c.11T>C (NM_176869.2); short protein forms L4P.
Identifiers: ClinVar variation 1450800 (VCV001450800.8), dbSNP rs1239402943, ClinGen allele CA357968135.